The following is an entry in ClinVar:

NM_002968.3(SALL1):c.3154C>T (p.Gln1052Ter)

Gene: SALL1 (spalt like transcription factor 1; minus strand). Cytogenetic location: 16q12.1.
Variant type: single nucleotide variant.
Coding change: c.3154C>T on transcript NM_002968.3 (MANE Select); coding-DNA position 3154, C replaced by T.
Protein change: p.Gln1052Ter; replaces glutamine 1052 with a stop codon.
Molecular consequence: nonsense.
Genome position (GRCh38, 1-based): chr16:51,139,068, G>A on the plus strand (C>T on the coding strand, the complement: SALL1 is on the minus strand). VCF-style: chr16-51139068-G-A. GRCh37 (hg19) VCF-style: chr16-51172979-G-A.
Other names: c.2863C>T, p.Gln955Ter (NM_001127892.2); short protein forms Q1052*, Q955*.
Identifiers: ClinVar variation 373001 (VCV000373001.1), dbSNP rs1057518131, ClinGen allele CA16042991.

ClinVar aggregate classification (germline): Likely pathogenic (1 of 4 stars; one submission).

Submission:

GeneDx
Classification: Likely pathogenic. Last evaluated: 2016-08-05. Review status: criteria provided, single submitter. Criteria: GeneDx Variant Classification (06012015). Collection method: clinical testing. Allele origin: germline. Affected: yes.
Comment: To our knowledge, the M1053L variant has not been published as a pathogenic variant, nor has it been reported as abenign variant.It was not observed in approximately 6,500 individuals of European and African American ancestry inthe NHLBI Exome Sequencing Project, indicating it is not a common benign variant in these populations. TheM1053L variant is a conservative amino acid substitution, which is not likely to impact secondary protein structureas these residues share similar properties. Although this substitution occurs at a position that is conserved acrossspecies, in silico analysis is inconsistent in its predictions as to whether or not the variant is damaging to the proteinstructure/function. Therefore, based on the currently available information, it is unclear whether this variant is apathogenic variant or a rare benign variant.